The following is an entry in ClinVar:

ClinVar aggregate classification (germline): Likely pathogenic (1 of 4 stars; one submission).

Allele frequency attached by ClinVar (database versions not stated): gnomAD 0.00001; gnomAD exomes 0.00001 and 0.00004; TOPMed 0.00001; ExAC 0.00006.
gnomAD v4.1: 18 of 1,611,306 alleles (0.0011%); highest among the groups gnomAD compares: South Asian, 0.0055%; no homozygotes.

Submission:

GeneDx
Classification: Likely pathogenic. Last evaluated: 2015-08-13. Review status: criteria provided, single submitter. Criteria: GeneDx Variant Classification (06012015). Collection method: clinical testing. Allele origin: germline. Affected: yes.
Comment: p.Ala703Thr (GCC>ACC): c.2107 G>A in exon 19 in the NDUFS1 gene (NM_005006.5). The A703T variant in the NDUFS1 gene has not been published as a mutation, nor has it been reported as a benign polymorphism to our knowledge. The A703T variant was not observed in approximately 6500 individuals of European and African American ancestry in the NHLBI Exome Sequencing Project, indicating it is not a common benign variant in these populations. The A703T variant is a non-conservative amino acid substitution, which occurs at a position that is highly conserved across species. In silico analysis predicts this variant is probably damaging to the protein structure/function. The A703T variant is a good candidate for a disease-causing mutation, however the possibility it may be a rare benign variant cannot be excluded. The variant is found in MITONUC-MITOP panel(s).

NM_005006.7(NDUFS1):c.2107G>A (p.Ala703Thr)

Gene: NDUFS1 (NADH:ubiquinone oxidoreductase core subunit S1; minus strand). Cytogenetic location: 2q33.3.
Variant type: single nucleotide variant.
Coding change: c.2107G>A on transcript NM_005006.7 (MANE Select); coding-DNA position 2107, G replaced by A.
Protein change: p.Ala703Thr; replaces alanine 703 with threonine.
Molecular consequence: missense variant.
Genome position (GRCh38, 1-based): chr2:206,124,262, C>T on the plus strand (G>A on the coding strand, the complement: NDUFS1 is on the minus strand). VCF-style: chr2-206124262-C-T. GRCh37 (hg19) VCF-style: chr2-206988986-C-T.
Other names: c.1999G>A, p.Ala667Thr (NM_001199981.2); c.1774G>A, p.Ala592Thr (NM_001199982.2); c.1936G>A, p.Ala646Thr (NM_001199983.2); c.2149G>A, p.Ala717Thr (NM_001199984.2); short protein forms A703T, A592T, A646T, A667T, A717T.
Identifiers: ClinVar variation 214785 (VCV000214785.1), dbSNP rs767122069, ClinGen allele CA324118.